The following is an entry in ClinVar:

NM_000548.5(TSC2):c.3104del (p.Phe1035fs)

Gene: TSC2 (TSC complex subunit 2; plus strand). Cytogenetic location: 16p13.3.
Variant type: Deletion.
Coding change: c.3104del on transcript NM_000548.5 (MANE Select); coding-DNA position 3104, one base deleted (T; older notation c.3104delT).
Protein change: p.Phe1035fs; shifts the reading frame from phenylalanine 1035.
Molecular consequence: frameshift variant.
Genome position (GRCh38, 1-based): chr16:2,079,169, T deleted; the last of 2 consecutive T bases (chr16:2,079,168-2,079,169); deleting either gives the same sequence. VCF-style (leftmost placement, unchanged base first): chr16-2079167-CT-C. GRCh37 (hg19) VCF-style: chr16-2129168-CT-C.
Other names: c.2864del, p.Phe955fs (NM_001318827.2); c.2828del, p.Phe943fs (NM_001318829.2); c.2372del, p.Phe791fs (NM_001318831.2); c.3005del, p.Phe1002fs (NM_001318832.2); c.2975del, p.Phe992fs (NM_001363528.2, NM_001370405.1, NM_021055.3); c.2972del, p.Phe991fs (NM_001370404.1, NM_001077183.3); c.3101delT, p.Phe1034Serfs (NM_001406663.1, NM_001406664.1); c.2972delT, p.Phe991Serfs (NM_001406665.1); and 20 more; short protein forms F943fs, F955fs, F1002fs, F791fs, F992fs, F991fs, F1035fs.
Identifiers: ClinVar variation 1727672 (VCV001727672.2), dbSNP rs2544036138, ClinGen allele CA2580090910.

ClinVar aggregate classification (germline): Pathogenic (1 of 4 stars; one submission).

Conditions:
Hereditary cancer-predisposing syndrome. Also called: Tumor predisposition; Neoplastic Syndromes, Hereditary; Hereditary Cancer Syndrome; Hereditary neoplastic syndrome. Identifiers: Orphanet 140162, MedGen C0027672, MeSH D009386, MONDO:0015356.

Submission:

Ambry Genetics
Classification: Pathogenic for Hereditary cancer-predisposing syndrome. Last evaluated: 2019-07-08. Review status: criteria provided, single submitter. Criteria: Ambry Variant Classification Scheme 2023. Collection method: clinical testing. Allele origin: germline.
Comment: The c.3104delT pathogenic mutation, located in coding exon 26 of the TSC2 gene, results from a deletion of one nucleotide at nucleotide position 3104, causing a translational frameshift with a predicted alternate stop codon (p.F1035Sfs*18). This alteration is expected to result in loss of function by premature protein truncation or nonsense-mediated mRNA decay. As such, this alteration is interpreted as a disease-causing mutation.